The following is an entry in ClinVar:

NM_001378609.3(OTOGL):c.6613G>T (p.Ala2205Ser)

Gene: OTOGL (otogelin like; plus strand). Cytogenetic location: 12q21.31.
Variant type: single nucleotide variant.
Coding change: c.6613G>T on transcript NM_001378609.3 (MANE Select); coding-DNA position 6613, G replaced by T.
Protein change: p.Ala2205Ser; replaces alanine 2205 with serine.
Molecular consequence: missense variant.
Genome position (GRCh38, 1-based): chr12:80,368,307, G>T. VCF-style: chr12-80368307-G-T. GRCh37 (hg19) VCF-style: chr12-80762087-G-T.
Other names: c.6478G>T, p.Ala2160Ser (NM_001368062.3); c.6613G>T, p.Ala2205Ser (NM_001378610.3, NM_173591.7); short protein forms A2196S, A2160S, A2205S.
Identifiers: ClinVar variation 667302 (VCV000667302.41), dbSNP rs374634079, ClinGen allele CA6702079.

ClinVar aggregate classification (germline): Conflicting classifications of pathogenicity. Review status: criteria provided, conflicting classifications (1 of 4 stars). 6 submissions from 6 submitters: Uncertain significance (4); Likely benign (2). Last evaluated 2026-10-06.

Conditions:
Inborn genetic diseases. Identifiers: MedGen C0950123, MeSH D030342.

Allele frequency attached by ClinVar (database versions not stated): ESP Exome Variant Server 0.00023; TOPMed 0.00023; gnomAD 0.00051.
gnomAD v4.1: 395 of 1,575,758 alleles (0.025%); highest among the groups gnomAD compares: Non-Finnish European, 0.033%; no homozygotes.

Submissions (6):

GeneDx
Classification: Uncertain significance. Last evaluated: 2026-10-06. Review status: criteria provided, single submitter. Criteria: GeneDx Variant Classification Process June 2021. Collection method: clinical testing. Allele origin: germline.
Comment: In silico analysis suggests that this missense variant does not alter protein structure/function; Has not been previously published as pathogenic or benign to our knowledge

Labcorp Genetics (formerly Invitae), Labcorp
Classification: Uncertain significance. Last evaluated: 2025-10-31. Review status: criteria provided, single submitter. Criteria: Invitae Variant Classification Sherloc (09022015). Collection method: clinical testing. Allele origin: germline.
Comment: This sequence change replaces alanine, which is neutral and non-polar, with serine, which is neutral and polar, at codon 2196 of the OTOGL protein (p.Ala2196Ser). This variant is present in population databases (rs374634079, gnomAD 0.05%). This variant has not been reported in the literature in individuals affected with OTOGL-related conditions. ClinVar contains an entry for this variant (Variation ID: 667302). An algorithm developed to predict the effect of missense changes on protein structure and function (PolyPhen-2) suggests that this variant is likely to be tolerated. In summary, the available evidence is currently insufficient to determine the role of this variant in disease. Therefore, it has been classified as a Variant of Uncertain Significance.

Ambry Genetics
Classification: Uncertain significance for Inborn genetic diseases. Last evaluated: 2025-10-22. Review status: criteria provided, single submitter. Criteria: Ambry Variant Classification Scheme 2023. Collection method: clinical testing. Allele origin: germline.

Laboratory of Genetics, Children's Clinical University Hospital Latvia
Classification: Likely benign. Last evaluated: 2025-02-16. Review status: criteria provided, single submitter. Criteria: ACMG Guidelines, 2015. Collection method: clinical testing. Allele origin: germline. Affected: yes.

CeGaT Center for Human Genetics Tuebingen
Classification: Likely benign. Last evaluated: 2023-01-01. Review status: criteria provided, single submitter. Criteria: CeGaT Center For Human Genetics Tuebingen Variant Classification Criteria Version 2. Collection method: clinical testing. Allele origin: germline. Affected: yes. Observed: 1 variant allele.
Comment: OTOGL: BP4

Laboratory for Molecular Medicine, Mass General Brigham Personalized Medicine
Classification: Uncertain significance. Last evaluated: 2018-08-10. Review status: criteria provided, single submitter. Criteria: LMM Criteria. Collection method: clinical testing. Allele origin: germline. Observed: 1 variant allele.
Comment: The p.Ala2196Ser variant in OTOGL has not been previously reported in individual s with hearing loss. This variant was identified in 0.04% (47/99480) of European chromosomes by the Genome Aggregation Database (gnomAD). This variant is located in the last three bases of the exon, which i s part of the 5? splice region. Computational tools do not predict altered splic ing. However, this information is not predictive enough to rule out pathogenicit y. In summary, the clinical significance of this variant is uncertain. ACMG/AMP Criteria applied: PM2_Supporting, BP4.